The following is an entry in ClinVar:

NM_001371596.2(MFSD8):c.910C>A (p.Gln304Lys)

Gene: MFSD8 (major facilitator superfamily domain containing 8; minus strand). Cytogenetic location: 4q28.2.
Variant type: single nucleotide variant.
Coding change: c.910C>A on transcript NM_001371596.2 (MANE Select); coding-DNA position 910, C replaced by A.
Protein change: p.Gln304Lys; replaces glutamine 304 with lysine.
Molecular consequence: missense variant.
Genome position (GRCh38, 1-based): chr4:127,930,771, G>T on the plus strand (C>A on the coding strand, the complement: MFSD8 is on the minus strand). VCF-style: chr4-127930771-G-T. GRCh37 (hg19) VCF-style: chr4-128851926-G-T.
Other names: c.709C>A, p.Gln237Lys (NM_001363520.3); c.595C>A, p.Gln199Lys (NM_001363521.3); c.775C>A, p.Gln259Lys (NM_001371590.2); c.910C>A, p.Gln304Lys (NM_001371591.2, NM_152778.4); c.916C>A, p.Gln306Lys (NM_001371592.2); c.796C>A, p.Gln266Lys (NM_001371593.2, NM_001410766.1); c.763C>A, p.Gln255Lys (NM_001371594.2); c.628C>A, p.Gln210Lys (NM_001371595.1); and 1 more; short protein forms Q199K, Q210K, Q255K, Q259K, Q237K, Q266K, Q304K, Q306K.
Identifiers: ClinVar variation 969650 (VCV000969650.5), dbSNP rs1737985759, ClinGen allele CA358173939.

ClinVar aggregate classification (germline): Uncertain significance (1 of 4 stars; one submission).

Conditions:
Neuronal ceroid lipofuscinosis 7 (CLN7). Also called: MFSD8-Related Neuronal Ceroid-Lipofuscinosis. Identifiers: Orphanet 168491, Orphanet 228366, MedGen C1838571, MONDO:0012588, OMIM 610951.

Allele frequency attached by ClinVar (database versions not stated): gnomAD exomes below 0.00001.
gnomAD v4.1: 6 of 1,612,736 alleles (0.00037%); highest among the groups gnomAD compares: South Asian, 0.0066%; no homozygotes.

Submission:

Labcorp Genetics (formerly Invitae), Labcorp
Classification: Uncertain significance for Neuronal ceroid lipofuscinosis 7. Last evaluated: 2021-08-26. Review status: criteria provided, single submitter. Criteria: Invitae Variant Classification Sherloc (09022015). Collection method: clinical testing. Allele origin: germline.
Comment: This sequence change replaces glutamine with lysine at codon 304 of the MFSD8 protein (p.Gln304Lys). The glutamine residue is moderately conserved and there is a small physicochemical difference between glutamine and lysine. This variant is not present in population databases (ExAC no frequency). This variant has not been reported in the literature in individuals affected with MFSD8-related conditions. Algorithms developed to predict the effect of missense changes on protein structure and function (SIFT, PolyPhen-2, Align-GVGD) all suggest that this variant is likely to be tolerated. In summary, the available evidence is currently insufficient to determine the role of this variant in disease. Therefore, it has been classified as a Variant of Uncertain Significance.